The following is an entry in ClinVar:

NC_012920.1(MT-CYB):m.14838G>A

Gene: MT-CYB (mitochondrially encoded cytochrome b; plus strand).
Variant type: single nucleotide variant.
Genome position: chrM-14838-G-A.
Identifiers: ClinVar variation 693775 (VCV000693775.1), dbSNP rs1603224920, ClinGen allele CA645611435.

ClinVar aggregate classification (germline): Uncertain significance (1 of 4 stars; one submission).

Conditions:
Leigh syndrome (NULS). Also called: Leigh's necrotizing encephalopathy; Leigh's disease; Leigh's syndrome; LEIGH SYNDROME, NUCLEAR; Leigh Syndrome (mtDNA deletion); Leigh Disease. Identifiers: Orphanet 506, MedGen C2931891, MONDO:0009723, OMIM 256000.

Submission:

Wong Mito Lab, Molecular and Human Genetics, Baylor College of Medicine
Classification: Uncertain significance for Leigh syndrome. Last evaluated: 2019-10-17. Review status: criteria provided, single submitter. Criteria: Modified ACMG Guidelines (Unpublished). Collection method: clinical testing. Allele origin: germline.
Comment: The NC_012920.1:m.14838G>A (YP_003024038.1:p.Trp31Ter) variant in MTCYB gene is interpretated to be a Uncertain Significance variant based on the modified ACMG guidelines (unpublished). This variant meets the following evidence codes: PP7